The following is an entry in ClinVar:

ClinVar aggregate classification (germline): Benign. Review status: criteria provided, multiple submitters, no conflicts (2 of 4 stars). 9 submissions from 8 submitters: Benign (8). 1 of the submissions does not count toward it. Last evaluated 2026-02-04.

Conditions:
Developmental delay and seizures with or without movement abnormalities. Identifiers: MedGen C4693376, MONDO:0044326, OMIM 617836.
Retinitis pigmentosa (RP). Identifiers: Orphanet 791, MedGen C0035334, MeSH D012174, MONDO:0019200, OMIM 268000. Inheritance: Autosomal dominant, autosomal recessive and X linked inheritance.
Retinal dystrophy. Also called: Inherited retinal dystrophy. Identifiers: Orphanet 71862, MedGen C0854723, MeSH D058499, MONDO:0019118, HP:0000556.
Retinitis pigmentosa 59 (RP59). Identifiers: Orphanet 791, MedGen C3151227, MONDO:0013468, OMIM 613861.

Allele frequency attached by ClinVar (database versions not stated): gnomAD exomes 0.24641 and 0.30696; ESP Exome Variant Server 0.28748; gnomAD 0.30121 and 0.30978; ExAC 0.31330; TOPMed 0.31928; 1000 Genomes Project 30x 0.44706; 1000 Genomes Project 0.45527.
gnomAD v4.1: 408,172 of 1,611,146 alleles (25%); highest among the groups gnomAD compares: East Asian, 75%; 62,197 homozygotes.

Submissions (9):

Labcorp Genetics (formerly Invitae), Labcorp
Classification: Benign for Retinitis pigmentosa 59. Last evaluated: 2026-02-04. Review status: criteria provided, single submitter. Criteria: Invitae Variant Classification Sherloc (09022015). Collection method: clinical testing. Allele origin: germline.

Dept Of Ophthalmology, Nagoya University
Classification: Benign for Retinal dystrophy. Last evaluated: 2023-10-01. Review status: criteria provided, single submitter. Criteria: Submitter's publication. Collection method: research. Allele origin: germline. Affected: yes.

Genome-Nilou Lab
Classification: Benign for Developmental delay and seizures with or without movement abnormalities. Last evaluated: 2021-07-08. Review status: criteria provided, single submitter. Criteria: ACMG Guidelines, 2015. Collection method: clinical testing. Allele origin: germline. Affected: no.

Genome-Nilou Lab
Classification: Benign for Retinitis pigmentosa 59. Last evaluated: 2021-07-08. Review status: criteria provided, single submitter. Criteria: ACMG Guidelines, 2015. Collection method: clinical testing. Allele origin: germline. Affected: no.

Mayo Clinic Laboratories, Mayo Clinic
Classification: Benign. Last evaluated: 2018-11-09. Review status: criteria provided, single submitter. Criteria: ACMG Guidelines, 2015. Collection method: clinical testing. Allele origin: germline. Observed: 23 variant alleles.

GeneDx
Classification: Benign. Last evaluated: 2018-06-14. Review status: criteria provided, single submitter. Criteria: GeneDx Variant Classification (06012015). Collection method: clinical testing. Allele origin: germline. Affected: yes.
Comment: This variant is considered likely benign or benign based on one or more of the following criteria: it is a conservative change, it occurs at a poorly conserved position in the protein, it is predicted to be benign by multiple in silico algorithms, and/or has population frequency not consistent with disease.

Illumina Laboratory Services, Illumina
Classification: Benign for Retinitis pigmentosa. Last evaluated: 2018-01-13. Review status: criteria provided, single submitter. Criteria: ICSL Variant Classification Criteria 13 December 2019. Collection method: clinical testing. Allele origin: germline.
Comment: This variant was observed in the ICSL laboratory as part of a predisposition screen in an ostensibly healthy population. It had not been previously curated by ICSL or reported in the Human Gene Mutation Database (HGMD: prior to June 1st, 2018), and was therefore a candidate for classification through an automated scoring system. Utilizing variant allele frequency, disease prevalence and penetrance estimates, and inheritance mode, an automated score was calculated to assess if this variant is too frequent to cause the disease. Based on the score and internal cut-off values, a variant classified as benign is not then subjected to further curation. The score for this variant resulted in a classification of benign for this disease.

Breakthrough Genomics
Classification: Benign. Review status: criteria provided, single submitter. Criteria: ACMG Guidelines, 2015. Collection method: not provided. Allele origin: germline. Inheritance: Autosomal recessive inheritance. Affected: yes.

Natera, Inc.
Classification: Benign for Retinitis pigmentosa type 59. Last evaluated: 2020-09-16. Review status: no assertion criteria provided. Collection method: clinical testing. Allele origin: germline. Not counted in ClinVar's aggregate classification.

NM_205861.3(DHDDS):c.757G>A (p.Val253Met)

Gene: DHDDS (dehydrodolichyl diphosphate synthase subunit; plus strand). Cytogenetic location: 1p36.11.
Variant type: single nucleotide variant.
Coding change: c.757G>A on transcript NM_205861.3 (MANE Select); coding-DNA position 757, G replaced by A.
Protein change: p.Val253Met; replaces valine 253 with methionine.
Molecular consequence: missense variant.
Genome position (GRCh38, 1-based): chr1:26,460,136, G>A. VCF-style: chr1-26460136-G-A. GRCh37 (hg19) VCF-style: chr1-26786627-G-A.
Other names: c.655G>A, p.Val219Met (NM_001243564.2); c.640G>A, p.Val214Met (NM_001243565.2); c.478G>A, p.Val160Met (NM_001319959.2); c.757G>A, p.Val253Met (NM_024887.4); short protein forms V253M, V219M, V160M, V214M.
Identifiers: ClinVar variation 297075 (VCV000297075.21), dbSNP rs3816539, ClinGen allele CA705442.